The following is an entry in ClinVar:

ClinVar aggregate classification (germline): Uncertain significance (1 of 4 stars; one submission).

Conditions:
Beckwith-Wiedemann syndrome (BWS). Also called: EMG SYNDROME; Exomphalos macroglossia gigantism syndrome. Identifiers: Orphanet 116, MedGen C0004903, MONDO:0007534, OMIM 130650.

Allele frequency attached by ClinVar (database versions not stated): gnomAD exomes below 0.00001; TOPMed 0.00001.
gnomAD v4.1: 1 of 922,000 alleles (0.00011%); highest among the groups gnomAD compares: Non-Finnish European, 0.00013%; no homozygotes.

Submission:

Labcorp Genetics (formerly Invitae), Labcorp
Classification: Uncertain significance for Beckwith-Wiedemann syndrome. Last evaluated: 2024-10-26. Review status: criteria provided, single submitter. Criteria: Invitae Variant Classification Sherloc (09022015). Collection method: clinical testing. Allele origin: germline.
Comment: This sequence change replaces proline, which is neutral and non-polar, with threonine, which is neutral and polar, at codon 188 of the CDKN1C protein (p.Pro188Thr). The frequency data for this variant in the population databases is considered unreliable, as metrics indicate insufficient coverage at this position in the gnomAD database. This variant has not been reported in the literature in individuals affected with CDKN1C-related conditions. ClinVar contains an entry for this variant (Variation ID: 853778). Invitae Evidence Modeling of protein sequence and biophysical properties (such as structural, functional, and spatial information, amino acid conservation, physicochemical variation, residue mobility, and thermodynamic stability) has been performed for this missense variant. However, the output from this modeling did not meet the statistical confidence thresholds required to predict the impact of this variant on CDKN1C protein function. In summary, the available evidence is currently insufficient to determine the role of this variant in disease. Therefore, it has been classified as a Variant of Uncertain Significance.

NM_001122630.2(CDKN1C):c.529C>A (p.Pro177Thr)

Gene: CDKN1C (cyclin dependent kinase inhibitor 1C; minus strand). Cytogenetic location: 11p15.4.
Variant type: single nucleotide variant.
Coding change: c.529C>A on transcript NM_001122630.2 (MANE Select); coding-DNA position 529, C replaced by A.
Protein change: p.Pro177Thr; replaces proline 177 with threonine.
Molecular consequence: missense variant. On other transcripts: intron variant (1).
Genome position (GRCh38, 1-based): chr11:2,884,928, G>T on the plus strand (C>A on the coding strand, the complement: CDKN1C is on the minus strand). VCF-style: chr11-2884928-G-T. GRCh37 (hg19) VCF-style: chr11-2906158-G-T.
Other names: c.562C>A, p.Pro188Thr (NM_000076.2, NM_001362474.2); c.529C>A, p.Pro177Thr (NM_001122631.2); c.255+274C>A (NM_001362475.2); short protein forms P188T, P177T.
Identifiers: ClinVar variation 853778 (VCV000853778.7), dbSNP rs1474613343, ClinGen allele CA379146460.